The following is an entry in ClinVar:

NM_001040108.2(MLH3):c.3367C>T (p.Gln1123Ter)

Gene: MLH3 (mutL homolog 3; minus strand). Cytogenetic location: 14q24.3.
Variant type: single nucleotide variant.
Coding change: c.3367C>T on transcript NM_001040108.2 (MANE Select); coding-DNA position 3367, C replaced by T.
Protein change: p.Gln1123Ter; replaces glutamine 1123 with a stop codon.
Molecular consequence: nonsense.
Genome position (GRCh38, 1-based): chr14:75,042,391, G>A on the plus strand (C>T on the coding strand, the complement: MLH3 is on the minus strand). VCF-style: chr14-75042391-G-A. GRCh37 (hg19) VCF-style: chr14-75509094-G-A.
Other names: c.3367C>T, p.Gln1123Ter (NM_014381.3); short protein forms Q1123*.
Identifiers: ClinVar variation 648817 (VCV000648817.22), dbSNP rs151133595, ClinGen allele CA7275520.

ClinVar aggregate classification (germline): Conflicting classifications of pathogenicity. Review status: criteria provided, conflicting classifications (1 of 4 stars). 3 submissions from 3 submitters: Pathogenic (1); Uncertain significance (2). Last evaluated 2026-05-29.

Conditions:
Colorectal cancer, hereditary nonpolyposis, type 7. Identifiers: Orphanet 144, MedGen C1858380, MONDO:0013725, OMIM 614385.

Allele frequency attached by ClinVar (database versions not stated): TOPMed 0.00006; ESP Exome Variant Server 0.00015; gnomAD 0.00011 and 0.00010; 1000 Genomes Project 30x 0.00031; gnomAD exomes 0.00007; ExAC 0.00008; 1000 Genomes Project 0.00040.

Submissions (3):

Ambry Genetics
Classification: Pathogenic. Last evaluated: 2026-05-29. Review status: criteria provided, single submitter. Criteria: Ambry Variant Classification Scheme 2023. Collection method: clinical testing. Allele origin: germline.
Comment: The p.Q1123* pathogenic mutation (also known as c.3367C>T), located in coding exon 2 of the MLH3 gene, results from a C to T substitution at nucleotide position 3367. This changes the amino acid from a glutamine to a stop codon within coding exon 2. This alteration is expected to result in loss of function by premature protein truncation or nonsense-mediated mRNA decay. As such, this alteration is interpreted as a disease-causing mutation.

Labcorp Genetics (formerly Invitae), Labcorp
Classification: Uncertain significance for Colorectal cancer, hereditary nonpolyposis, type 7. Last evaluated: 2025-06-03. Review status: criteria provided, single submitter. Criteria: Invitae Variant Classification Sherloc (09022015). Collection method: clinical testing. Allele origin: germline.
Comment: This sequence change creates a premature translational stop signal (p.Gln1123*) in the MLH3 gene. It is expected to result in an absent or disrupted protein product. However, the current clinical and genetic evidence is not sufficient to establish whether loss-of-function variants in MLH3 cause disease. This variant is present in population databases (rs151133595, gnomAD 0.02%). This premature translational stop signal has been observed in individual(s) with a personal or family history of breast and/or ovarian cancer and/or pancreatic cancer (PMID: 24549055, 26546047). ClinVar contains an entry for this variant (Variation ID: 648817). Algorithms developed to predict the effect of sequence changes on RNA splicing suggest that this variant may disrupt the consensus splice site. In summary, the available evidence is currently insufficient to determine the role of this variant in disease. Therefore, it has been classified as a Variant of Uncertain Significance.

Center for Genomic Medicine, Rigshospitalet, Copenhagen University Hospital
Classification: Uncertain significance. Last evaluated: 2025-03-04. Review status: criteria provided, single submitter. Criteria: ACMG Guidelines, 2015. Collection method: clinical testing. Allele origin: germline.

Literature cited by the submitters: PubMed 24549055 (cited by Labcorp Genetics (formerly Invitae), Labcorp and Center for Genomic Medicine, Rigshospitalet, Copenhagen University Hospital); PubMed 26546047 (cited by Labcorp Genetics (formerly Invitae), Labcorp and Center for Genomic Medicine, Rigshospitalet, Copenhagen University Hospital).